The following is an entry in ClinVar:

ClinVar aggregate classification (germline): Uncertain significance. Review status: criteria provided, multiple submitters, no conflicts (2 of 4 stars). 2 submissions from 2 submitters: Uncertain significance (2). Last evaluated 2025-07-03.

Conditions:
Melanoma, cutaneous malignant, susceptibility to, 5. Also called: Cutaneous malignant melanoma 5. Identifiers: Orphanet 618, MedGen C2751295, MONDO:0013133, OMIM 613099.

Submissions (2):

Ambry Genetics
Classification: Uncertain significance. Last evaluated: 2025-07-03. Review status: criteria provided, single submitter. Criteria: Ambry Variant Classification Scheme 2023. Collection method: clinical testing. Allele origin: germline.
Comment: The p.I144V variant (also known as c.430A>G), located in coding exon 1 of the MC1R gene, results from an A to G substitution at nucleotide position 430. The isoleucine at codon 144 is replaced by valine, an amino acid with highly similar properties. This amino acid position is conserved. In addition, this alteration is predicted to be tolerated by in silico analysis. Based on the available evidence, the clinical significance of this variant remains unclear.

Labcorp Genetics (formerly Invitae), Labcorp
Classification: Uncertain significance for Melanoma, cutaneous malignant, susceptibility to, 5. Last evaluated: 2024-05-27. Review status: criteria provided, single submitter. Criteria: Invitae Variant Classification Sherloc (09022015). Collection method: clinical testing. Allele origin: germline.
Comment: This sequence change replaces isoleucine, which is neutral and non-polar, with valine, which is neutral and non-polar, at codon 144 of the MC1R protein (p.Ile144Val). This variant is present in population databases (no rsID available, gnomAD 0.003%). This variant has not been reported in the literature in individuals affected with MC1R-related conditions. Advanced modeling of protein sequence and biophysical properties (such as structural, functional, and spatial information, amino acid conservation, physicochemical variation, residue mobility, and thermodynamic stability) performed at Invitae indicates that this missense variant is not expected to disrupt MC1R protein function with a negative predictive value of 80%. In summary, the available evidence is currently insufficient to determine the role of this variant in disease. Therefore, it has been classified as a Variant of Uncertain Significance.

NM_002386.4(MC1R):c.430A>G (p.Ile144Val)

Gene: MC1R (melanocortin 1 receptor; plus strand). Cytogenetic location: 16q24.3.
Variant type: single nucleotide variant.
Coding change: c.430A>G on transcript NM_002386.4 (MANE Select); coding-DNA position 430, A replaced by G.
Protein change: p.Ile144Val; replaces isoleucine 144 with valine.
Molecular consequence: missense variant.
Genome position (GRCh38, 1-based): chr16:89,919,688, A>G. VCF-style: chr16-89919688-A-G. GRCh37 (hg19) VCF-style: chr16-89986096-A-G.
Other names: c.430A>G (NM_002386.3); short protein forms I144V.
Identifiers: ClinVar variation 3665054 (VCV003665054.3).